The following is an entry in ClinVar:

ClinVar aggregate classification (germline): Uncertain significance (1 of 4 stars; one submission).

Conditions:
Anauxetic dysplasia. Identifiers: Orphanet 93347, MedGen C1846796, MONDO:0011773.

Submission:

Labcorp Genetics (formerly Invitae), Labcorp
Classification: Uncertain significance for Anauxetic dysplasia. Last evaluated: 2023-11-12. Review status: criteria provided, single submitter. Criteria: Invitae Variant Classification Sherloc (09022015). Collection method: clinical testing. Allele origin: germline.
Comment: This variant occurs in a non-coding region of the RMRP gene. It does not change the encoded amino acid sequence of the RMRP protein. This variant is present in population databases (no rsID available, gnomAD 0.1%). This variant has not been reported in the literature in individuals affected with RMRP-related conditions. Experimental studies and prediction algorithms are not available or were not evaluated, and the functional significance of this variant is currently unknown. In summary, the available evidence is currently insufficient to determine the role of this variant in disease. Therefore, it has been classified as a Variant of Uncertain Significance.

NC_000009.12:g.35658074G>A

Gene: RMRP (RNA component of mitochondrial RNA processing endoribonuclease; minus strand). Cytogenetic location: 9p13.3.
Variant type: single nucleotide variant.
Genome position: GRCh38 VCF-style: chr9-35658074-G-A. GRCh37 (hg19) VCF-style: chr9-35658071-G-A.
Identifiers: ClinVar variation 2902189 (VCV002902189.1), dbSNP rs531089786, ClinGen allele CA587570282.